The following is an entry in ClinVar:

NM_138801.3(GALM):c.577G>T (p.Glu193Ter)

Gene: GALM (galactose mutarotase; plus strand). Cytogenetic location: 2p22.1.
Variant type: single nucleotide variant.
Coding change: c.577G>T on transcript NM_138801.3 (MANE Select); coding-DNA position 577, G replaced by T.
Protein change: p.Glu193Ter; replaces glutamic acid 193 with a stop codon.
Molecular consequence: nonsense.
Genome position (GRCh38, 1-based): chr2:38,689,837, G>T. VCF-style: chr2-38689837-G-T. GRCh37 (hg19) VCF-style: chr2-38916979-G-T.
Other names: short protein forms E193*.
Identifiers: ClinVar variation 2717597 (VCV002717597.3), dbSNP rs1277727437, ClinGen allele CA346337412.
Genomic context (GRCh38, chr2:38,689,837, plus strand): 5'-TAAGCAGAAAACCTTTCCCCTACCTTTTCCTCCCAGGCTTCCCCAAATATAAATGACCAT[G>T]AAGTCACCATAGAAGCGGATACTTATTTGCCTGTGGATGAAACCCTGATTCCTACAGGTT-3'

ClinVar aggregate classification (germline): Pathogenic (1 of 4 stars; one submission).

Allele frequency attached by ClinVar (database versions not stated): gnomAD exomes below 0.00001; TOPMed below 0.00001; gnomAD 0.00001.

Submission:

Labcorp Genetics (formerly Invitae), Labcorp
Classification: Pathogenic. Last evaluated: 2023-06-16. Review status: criteria provided, single submitter. Criteria: Invitae Variant Classification Sherloc (09022015). Collection method: clinical testing. Allele origin: germline.
Comment: For these reasons, this variant has been classified as Pathogenic. This variant has not been reported in the literature in individuals affected with GALM-related conditions. This variant is not present in population databases (gnomAD no frequency). This sequence change creates a premature translational stop signal (p.Glu193*) in the GALM gene. It is expected to result in an absent or disrupted protein product. Loss-of-function variants in GALM are known to be pathogenic (PMID: 30451973).

Literature cited by the submitters: PubMed 30451973.